The following is an entry in ClinVar:

NM_022489.4(INF2):c.316C>T (p.Arg106Cys)

Gene: INF2 (inverted formin 2; plus strand). Cytogenetic location: 14q32.33.
Variant type: single nucleotide variant.
Coding change: c.316C>T on transcript NM_022489.4 (MANE Select); coding-DNA position 316, C replaced by T.
Protein change: p.Arg106Cys; replaces arginine 106 with cysteine.
Molecular consequence: missense variant.
Genome position (GRCh38, 1-based): chr14:104,701,681, C>T. VCF-style: chr14-104701681-C-T. GRCh37 (hg19) VCF-style: chr14-105168018-C-T.
Other names: c.316C>T, p.Arg106Cys (NM_001031714.4, NM_032714.3); short protein forms R106C.
Identifiers: ClinVar variation 1728411 (VCV001728411.2), dbSNP rs1159199325, ClinGen allele CA391225863.

ClinVar aggregate classification (germline): Uncertain significance (1 of 4 stars; one submission).

Conditions:
Inborn genetic diseases. Identifiers: MedGen C0950123, MeSH D030342.

Allele frequency attached by ClinVar (database versions not stated): gnomAD exomes below 0.00001; gnomAD 0.00001.

Submission:

Ambry Genetics
Classification: Uncertain significance for Inborn genetic diseases. Last evaluated: 2020-10-29. Review status: criteria provided, single submitter. Criteria: Ambry Variant Classification Scheme 2023. Collection method: clinical testing. Allele origin: germline.
Comment: The p.R106C variant (also known as c.316C>T), located in coding exon 1 of the INF2 gene, results from a C to T substitution at nucleotide position 316. The arginine at codon 106 is replaced by cysteine, an amino acid with highly dissimilar properties. This alteration is located in the diaphanous inhibitory domain (DID), and another alteration at this position (p.R106P) has been reported in a patient with Charcot-Marie-Tooth disease, focal segmental glomerulosclerosis, and sensorineural hearing loss (Boyer O et al. N Engl J Med, 2011 Dec;365:2377-88). This missense alteration is located in a region that has a low rate of benign missense variation (Lek M et al. Nature. 2016 Aug 18;536(7616):285-91; DECIPHER: Database of Chromosomal Imbalance and Phenotype in Humans using Ensembl Resources. Firth H.V. et al. 2009. Am.J.Hum.Genet. 84, 524-533 (DOI)). This amino acid position is highly conserved in available vertebrate species. In addition, this alteration is predicted to be deleterious by in silico analysis. Since supporting evidence is limited at this time, the clinical significance of this alteration remains unclear.

Literature cited by the submitters: PubMed 22187985.